The following is an entry in ClinVar:

ClinVar aggregate classification (germline): Uncertain significance (1 of 4 stars; one submission).

Conditions:
Metachromatic leukodystrophy (MLD). Also called: Arylsulfatase A Deficiency; SULFATIDE LIPIDOSIS; ARSA DEFICIENCY; CEREBROSIDE SULFATASE DEFICIENCY; METACHROMATIC LEUKOENCEPHALOPATHY; Cerebral sclerosis diffuse metachromatic form. Identifiers: Orphanet 512, MedGen C0023522, MONDO:0018868, OMIM 250100.

Allele frequency attached by ClinVar (database versions not stated): gnomAD exomes below 0.00001; gnomAD 0.00001.
gnomAD v4.1: 1 of 1,560,086 alleles (0.000064%); highest among the groups gnomAD compares: African/African-American, 0.0014%; no homozygotes.

Submission:

Labcorp Genetics (formerly Invitae), Labcorp
Classification: Uncertain significance for Metachromatic leukodystrophy. Last evaluated: 2021-09-01. Review status: criteria provided, single submitter. Criteria: Invitae Variant Classification Sherloc (09022015). Collection method: clinical testing. Allele origin: germline.
Comment: This sequence change replaces serine with threonine at codon 45 of the ARSA protein (p.Ser45Thr). The serine residue is highly conserved and there is a small physicochemical difference between serine and threonine. This variant is not present in population databases (ExAC no frequency). This variant has not been reported in the literature in individuals affected with ARSA-related conditions. Algorithms developed to predict the effect of missense changes on protein structure and function output the following: SIFT: "Tolerated"; PolyPhen-2: "Benign"; Align-GVGD: "Class C0". The threonine amino acid residue is found in multiple mammalian species, which suggests that this missense change does not adversely affect protein function. In summary, the available evidence is currently insufficient to determine the role of this variant in disease. Therefore, it has been classified as a Variant of Uncertain Significance.

NM_000487.6(ARSA):c.134G>C (p.Ser45Thr)

Gene: ARSA (arylsulfatase A; minus strand). Cytogenetic location: 22q13.33.
Variant type: single nucleotide variant.
Coding change: c.134G>C on transcript NM_000487.6 (MANE Select); coding-DNA position 134, G replaced by C.
Protein change: p.Ser45Thr; replaces serine 45 with threonine.
Molecular consequence: missense variant. On other transcripts: intron variant (2).
Genome position (GRCh38, 1-based): chr22:50,627,646, C>G on the plus strand (G>C on the coding strand, the complement: ARSA is on the minus strand). VCF-style: chr22-50627646-C-G. GRCh37 (hg19) VCF-style: chr22-51066074-C-G.
Other names: c.134G>C, p.Ser45Thr (NM_001085425.3, NM_001085426.3, NM_001085427.3); c.-34-240G>C (NM_001362782.2, NM_001085428.3); short protein forms S45T.
Identifiers: ClinVar variation 1501557 (VCV001501557.5), dbSNP rs867624246, ClinGen allele CA412182782.